The following is an entry in ClinVar:

NM_002772.3(TMPRSS15):c.699ATC[1] (p.Ser235del)

Gene: TMPRSS15 (transmembrane serine protease 15; minus strand). Cytogenetic location: 21q21.1.
Variant type: Microsatellite.
Coding change: c.699ATC[1] on transcript NM_002772.3 (MANE Select); one copy of the 3-base unit ATC starting at c.699; the reference has two copies in a row; one copy, 3 bases deleted.
Protein change: p.Ser235del; deletes serine 235.
Molecular consequence: inframe deletion.
Genome position (GRCh38, 1-based): chr21:18,365,209-18,365,211, GAT deleted on the plus strand (ATC on the coding strand, the reverse complement: TMPRSS15 is on the minus strand); deleting any 3 consecutive bases within chr21:18,365,209-18,365,214 gives the same sequence; the position shown is the placement nearest the transcript's 3' end. VCF-style (leftmost placement, unchanged base first): chr21-18365208-AGAT-A. GRCh37 (hg19) VCF-style: chr21-19737525-AGAT-A.
Other names: short protein forms S235del.
Identifiers: ClinVar variation 2126385 (VCV002126385.4), dbSNP rs2516763177, ClinGen allele CA2580616368.

ClinVar aggregate classification (germline): Uncertain significance (1 of 4 stars; one submission).

Submission:

Labcorp Genetics (formerly Invitae), Labcorp
Classification: Uncertain significance. Last evaluated: 2022-04-15. Review status: criteria provided, single submitter. Criteria: Invitae Variant Classification Sherloc (09022015). Collection method: clinical testing. Allele origin: germline.
Comment: This variant, c.702_704del, results in the deletion of 1 amino acid(s) of the TMPRSS15 protein (p.Ser235del), but otherwise preserves the integrity of the reading frame. This variant is not present in population databases (gnomAD no frequency). In summary, the available evidence is currently insufficient to determine the role of this variant in disease. Therefore, it has been classified as a Variant of Uncertain Significance. Algorithms developed to predict the effect of sequence changes on RNA splicing suggest that this variant may disrupt the consensus splice site. This variant has not been reported in the literature in individuals affected with TMPRSS15-related conditions.